The following is an entry in ClinVar:

ClinVar aggregate classification (germline): Uncertain significance (1 of 4 stars; one submission).

Allele frequency attached by ClinVar (database versions not stated): ExAC 0.00001; gnomAD exomes 0.00001.
gnomAD v4.1: 3 of 1,614,052 alleles (0.00019%); highest among the groups gnomAD compares: South Asian, 0.0033%; no homozygotes.

Submission:

Labcorp Genetics (formerly Invitae), Labcorp
Classification: Uncertain significance. Last evaluated: 2024-02-07. Review status: criteria provided, single submitter. Criteria: Invitae Variant Classification Sherloc (09022015). Collection method: clinical testing. Allele origin: germline.
Comment: This sequence change creates a premature translational stop signal (p.Trp1579*) in the MYO3A gene. While this is not anticipated to result in nonsense mediated decay, it is expected to disrupt the last 38 amino acid(s) of the MYO3A protein. This variant is present in population databases (rs764753847, gnomAD 0.003%). This variant has not been reported in the literature in individuals affected with MYO3A-related conditions. Experimental studies and prediction algorithms are not available or were not evaluated, and the functional significance of this variant is currently unknown. In summary, the available evidence is currently insufficient to determine the role of this variant in disease. Therefore, it has been classified as a Variant of Uncertain Significance.

NM_017433.5(MYO3A):c.4737G>A (p.Trp1579Ter)

Gene: MYO3A (myosin IIIA; plus strand). Cytogenetic location: 10p12.1.
Variant type: single nucleotide variant.
Coding change: c.4737G>A on transcript NM_017433.5 (MANE Select); coding-DNA position 4737, G replaced by A.
Protein change: p.Trp1579Ter; replaces tryptophan 1579 with a stop codon.
Molecular consequence: nonsense.
Genome position (GRCh38, 1-based): chr10:26,211,849, G>A. VCF-style: chr10-26211849-G-A. GRCh37 (hg19) VCF-style: chr10-26500778-G-A.
Other names: short protein forms W1579*.
Identifiers: ClinVar variation 2958983 (VCV002958983.3), dbSNP rs764753847, ClinGen allele CA5445576.